The following is an entry in ClinVar:

NM_030928.4(CDT1):c.900G>C (p.Gln300His)

Gene: CDT1 (chromatin licensing and DNA replication factor 1; plus strand). Cytogenetic location: 16q24.3.
Variant type: single nucleotide variant.
Coding change: c.900G>C on transcript NM_030928.4 (MANE Select); coding-DNA position 900, G replaced by C.
Protein change: p.Gln300His; replaces glutamine 300 with histidine.
Molecular consequence: missense variant.
Genome position (GRCh38, 1-based): chr16:88,806,088, G>C. VCF-style: chr16-88806088-G-C. GRCh37 (hg19) VCF-style: chr16-88872496-G-C.
Other names: short protein forms Q300H.
Identifiers: ClinVar variation 128665 (VCV000128665.16), dbSNP rs143149360, ClinGen allele CA230992.

ClinVar aggregate classification (germline): Conflicting classifications of pathogenicity. Review status: criteria provided, conflicting classifications (1 of 4 stars). 4 submissions from 4 submitters: Uncertain significance (2); Likely benign (1). 1 of the submissions does not count toward it. Last evaluated 2026-01-26.

Conditions:
CDT1-related disorder. Also called: CDT1-related condition.
Inborn genetic diseases. Identifiers: MedGen C0950123, MeSH D030342.

Allele frequency attached by ClinVar (database versions not stated): gnomAD exomes 0.00037; ExAC 0.00048; 1000 Genomes Project 30x 0.00094; 1000 Genomes Project 0.00100; ESP Exome Variant Server 0.00116; gnomAD 0.00151 and 0.00167; TOPMed 0.00183.
gnomAD v4.1: 420 of 1,601,910 alleles (0.026%); highest among the groups gnomAD compares: African/African-American, 0.51%; 1 homozygote.

Submissions (4):

Labcorp Genetics (formerly Invitae), Labcorp
Classification: Likely benign. Last evaluated: 2026-01-26. Review status: criteria provided, single submitter. Criteria: Invitae Variant Classification Sherloc (09022015). Collection method: clinical testing. Allele origin: germline.

Ambry Genetics
Classification: Uncertain significance for Inborn genetic diseases. Last evaluated: 2024-10-26. Review status: criteria provided, single submitter. Criteria: Ambry Variant Classification Scheme 2023. Collection method: clinical testing. Allele origin: germline.

Genetic Services Laboratory, University of Chicago
Classification: Uncertain significance. Last evaluated: 2013-04-02. Review status: criteria provided, single submitter. Criteria: ACMG Guidelines, 2007. Collection method: clinical testing. Allele origin: germline. Inheritance: Autosomal recessive inheritance.

PreventionGenetics, part of Exact Sciences
Classification: Likely benign for CDT1-related condition. Last evaluated: 2019-07-15. Review status: no assertion criteria provided. Collection method: clinical testing. Allele origin: germline. Not counted in ClinVar's aggregate classification.
Comment: This variant is classified as likely benign based on ACMG/AMP sequence variant interpretation guidelines (Richards et al. 2015 PMID: 25741868, with internal and published modifications).